The following is an entry in ClinVar:

ClinVar aggregate classification (germline): Likely benign. Review status: criteria provided, multiple submitters, no conflicts (2 of 4 stars). 3 submissions from 3 submitters: Likely benign (2). 1 of the submissions does not count toward it. Last evaluated 2024-11-11.

Conditions:
Zellweger spectrum disorders (ZS). Also called: Zellweger Spectrum Disorder (ZSD); Zellweger Spectrum Disorder; Zellweger Spectrum; Zellweger syndrome. Identifiers: Orphanet 912, MedGen C0043459, MONDO:0019609.
PEX1-related disorder. Also called: PEX1-related condition.

Allele frequency attached by ClinVar (database versions not stated): gnomAD exomes 0.00001; gnomAD 0.00002 and 0.00003; TOPMed 0.00003.

Submissions (3):

Blueprint Genetics
Classification: Likely benign. Last evaluated: 2024-11-11. Review status: criteria provided, single submitter. Criteria: ACMG Guidelines, 2015. Collection method: clinical testing. Allele origin: germline.

Labcorp Genetics (formerly Invitae), Labcorp
Classification: Likely benign for Zellweger spectrum disorders. Last evaluated: 2024-01-17. Review status: criteria provided, single submitter. Criteria: Invitae Variant Classification Sherloc (09022015). Collection method: clinical testing. Allele origin: germline.

PreventionGenetics, part of Exact Sciences
Classification: Likely benign for PEX1-related condition. Last evaluated: 2023-10-19. Review status: no assertion criteria provided. Collection method: clinical testing. Allele origin: germline. Not counted in ClinVar's aggregate classification.
Comment: This variant is classified as likely benign based on ACMG/AMP sequence variant interpretation guidelines (Richards et al. 2015 PMID: 25741868, with internal and published modifications).

NM_000466.3(PEX1):c.2584-13_2584-12insG

Gene: PEX1 (peroxisomal biogenesis factor 1; minus strand). Cytogenetic location: 7q21.2.
Variant type: Insertion.
Coding change: c.2584-13_2584-12insG on transcript NM_000466.3 (MANE Select); 13 bases into the intron before coding-DNA position 2584 through 12 bases into the intron before coding-DNA position 2584, G inserted.
Molecular consequence: intron variant.
Genome position: GRCh38 VCF-style: chr7-92499850-A-AC. GRCh37 (hg19) VCF-style: chr7-92129164-A-AC.
Other names: c.2413-13_2413-12insG (NM_001282677.2); c.1960-13_1960-12insG (NM_001282678.2); c.2584-13_2584-12insG (NM_000466.2).
Identifiers: ClinVar variation 1550586 (VCV001550586.11), dbSNP rs955834633, ClinGen allele CA161958957.
Genomic context (GRCh38, chr7:92,499,850, plus strand): 5'-GTATTCCTGTTCTTTGTCGTATGGGCAAGTTTGCAAATAATTCTGGATACTGAGAAACAA[A>AC]AAAAAAAAATATGAAAAAGAGCTCAAGTCTAAACAGAAATGACTAAGTAGCAGCTAAAGA-3'